The following is an entry in ClinVar:

ClinVar aggregate classification (germline): Uncertain significance. Review status: criteria provided, multiple submitters, no conflicts (2 of 4 stars). 2 submissions from 2 submitters: Uncertain significance (2). Last evaluated 2025-06-30.

Conditions:
Hereditary cancer-predisposing syndrome. Also called: Neoplastic Syndromes, Hereditary; Hereditary Cancer Syndrome; Hereditary neoplastic syndrome; Tumor predisposition. Identifiers: Orphanet 140162, MedGen C0027672, MeSH D009386, MONDO:0015356.

Allele frequency attached by ClinVar (database versions not stated): gnomAD exomes below 0.00001; ExAC 0.00001; gnomAD 0.00001; 1000 Genomes Project 30x 0.00016; 1000 Genomes Project 0.00020.
gnomAD v4.1: 2 of 1,606,856 alleles (0.00012%); highest among the groups gnomAD compares: Admixed American, 0.0017%; no homozygotes.

Submissions (2):

Ambry Genetics
Classification: Uncertain significance for Hereditary cancer-predisposing syndrome. Last evaluated: 2025-06-30. Review status: criteria provided, single submitter. Criteria: Ambry Variant Classification Scheme 2023. Collection method: clinical testing. Allele origin: germline.
Comment: The p.P178A variant (also known as c.532C>G), located in coding exon 3 of the NTHL1 gene, results from a C to G substitution at nucleotide position 532. The proline at codon 178 is replaced by alanine, an amino acid with highly similar properties. This amino acid position is conserved. In addition, this alteration is predicted to be deleterious by in silico analysis. Based on the available evidence, the clinical significance of this variant remains unclear.

Labcorp Genetics (formerly Invitae), Labcorp
Classification: Uncertain significance. Last evaluated: 2022-11-08. Review status: criteria provided, single submitter. Criteria: Invitae Variant Classification Sherloc (09022015). Collection method: clinical testing. Allele origin: germline.
Comment: This sequence change replaces proline with alanine at codon 178 of the NTHL1 protein (p.Pro178Ala). The proline residue is highly conserved and there is a small physicochemical difference between proline and alanine. In summary, the available evidence is currently insufficient to determine the role of this variant in disease. Therefore, it has been classified as a Variant of Uncertain Significance. Algorithms developed to predict the effect of missense changes on protein structure and function are either unavailable or do not agree on the potential impact of this missense change (SIFT: "Not Available"; PolyPhen-2: "Possibly Damaging"; Align-GVGD: "Not Available"). ClinVar contains an entry for this variant (Variation ID: 1419329). This variant has not been reported in the literature in individuals affected with NTHL1-related conditions. This variant is present in population databases (rs551068959, gnomAD 0.003%).

NM_002528.7(NTHL1):c.508C>G (p.Pro170Ala)

Gene: NTHL1 (nth like DNA glycosylase 1; minus strand). Cytogenetic location: 16p13.3.
Variant type: single nucleotide variant.
Coding change: c.508C>G on transcript NM_002528.7 (MANE Select); coding-DNA position 508, C replaced by G.
Protein change: p.Pro170Ala; replaces proline 170 with alanine.
Molecular consequence: missense variant. On other transcripts: intron variant (1).
Genome position (GRCh38, 1-based): chr16:2,044,647, G>C on the plus strand (C>G on the coding strand, the complement: NTHL1 is on the minus strand). VCF-style: chr16-2044647-G-C. GRCh37 (hg19) VCF-style: chr16-2094648-G-C.
Other names: c.532C>G (NM_002528.5); c.178C>G, p.Pro60Ala (NM_001318194.2); c.355-921C>G (NM_001318193.2); short protein forms P60A, P170A.
Identifiers: ClinVar variation 1419329 (VCV001419329.7), dbSNP rs551068959, ClinGen allele CA7828238.